The following is an entry in ClinVar:

ClinVar aggregate classification (germline): Uncertain significance. Review status: criteria provided, multiple submitters, no conflicts (2 of 4 stars). 2 submissions from 2 submitters: Uncertain significance (2). Last evaluated 2021-07-23.

Conditions:
Hereditary breast ovarian cancer syndrome. Also called: BRCA1- and BRCA2-Associated Hereditary Breast and Ovarian Cancer; Hereditary breast and ovarian cancer; Hereditary breast and/or ovarian cancer syndrome; Hereditary breast and ovarian cancer syndrome; Hereditary breast and ovarian cancer syndrome (HBOC); Breast and ovarian cancer. Identifiers: Orphanet 145, MedGen C0677776, MeSH D061325, MONDO:0003582. Disease mechanism: loss of function.
Hereditary cancer-predisposing syndrome. Also called: Neoplastic Syndromes, Hereditary; Hereditary Cancer Syndrome; Tumor predisposition; Hereditary neoplastic syndrome. Identifiers: Orphanet 140162, MedGen C0027672, MeSH D009386, MONDO:0015356.

Allele frequency attached by ClinVar (database versions not stated): gnomAD exomes below 0.00001.
gnomAD v4.1: 1 of 1,614,108 alleles (0.000062%); highest among the groups gnomAD compares: East Asian, 0.0022%; no homozygotes.

Submissions (2):

Labcorp Genetics (formerly Invitae), Labcorp
Classification: Uncertain significance for Hereditary breast ovarian cancer syndrome. Last evaluated: 2021-07-23. Review status: criteria provided, single submitter. Criteria: Invitae Variant Classification Sherloc (09022015). Collection method: clinical testing. Allele origin: germline.
Comment: In summary, the available evidence is currently insufficient to determine the role of this variant in disease. Therefore, it has been classified as a Variant of Uncertain Significance. Algorithms developed to predict the effect of missense changes on protein structure and function (SIFT, PolyPhen-2, Align-GVGD) all suggest that this variant is likely to be disruptive. ClinVar contains an entry for this variant (Variation ID: 572496). This variant has been observed in individual(s) with breast cancer (PMID: 30287823). This variant is not present in population databases (ExAC no frequency). This sequence change replaces isoleucine with threonine at codon 2840 of the BRCA2 protein (p.Ile2840Thr). The isoleucine residue is moderately conserved and there is a moderate physicochemical difference between isoleucine and threonine.

Color Diagnostics, LLC DBA Color Health
Classification: Uncertain significance for Hereditary cancer-predisposing syndrome. Last evaluated: 2021-06-02. Review status: criteria provided, single submitter. Criteria: ACMG Guidelines, 2015. Collection method: clinical testing. Allele origin: germline.
Comment: This missense variant replaces isoleucine with threonine at codon 2840 of the BRCA2 protein. Computational prediction suggests that this variant may not impact protein structure and function (internally defined REVEL score threshold <= 0.5, PMID: 27666373). To our knowledge, functional studies have not been reported for this variant. This variant has been reported in three case-control studies for breast, prostate and pancreatic cancer and has been detected in 1 breast cancer case and in 4 unaffected individuals (PMID: 30287823, 31214711, 32980694). This variant has not been identified in the general population by the Genome Aggregation Database (gnomAD). The available evidence is insufficient to determine the role of this variant in disease conclusively. Therefore, this variant is classified as a Variant of Uncertain Significance.

Literature cited by the submitters: PubMed 30287823 (cited by Labcorp Genetics (formerly Invitae), Labcorp).

NM_000059.4(BRCA2):c.8519T>C (p.Ile2840Thr)

Gene: BRCA2 (BRCA2 DNA repair associated; plus strand). Cytogenetic location: 13q13.1.
Variant type: single nucleotide variant.
Coding change: c.8519T>C on transcript NM_000059.4 (MANE Select); coding-DNA position 8519, T replaced by C.
Protein change: p.Ile2840Thr; replaces isoleucine 2840 with threonine.
Molecular consequence: missense variant.
Genome position (GRCh38, 1-based): chr13:32,370,987, T>C. VCF-style: chr13-32370987-T-C. GRCh37 (hg19) VCF-style: chr13-32945124-T-C.
Other names: short protein forms I2840T.
Identifiers: ClinVar variation 572496 (VCV000572496.12), dbSNP rs1566249235, ClinGen allele CA387752714.